The following is an entry in ClinVar:

NM_005732.4(RAD50):c.1052-4A>G

Gene: RAD50 (RAD50 double strand break repair protein; plus strand). Cytogenetic location: 5q31.1.
Variant type: single nucleotide variant.
Coding change: c.1052-4A>G on transcript NM_005732.4 (MANE Select); 4 bases into the intron before coding-DNA position 1052, A replaced by G.
Molecular consequence: intron variant.
Genome position (GRCh38, 1-based): chr5:132,588,683, A>G. VCF-style: chr5-132588683-A-G. GRCh37 (hg19) VCF-style: chr5-131924375-A-G.
Identifiers: ClinVar variation 582363 (VCV000582363.13), dbSNP rs1561639434, ClinGen allele CA891842981.
Genomic context (GRCh38, chr5:132,588,683, plus strand): 5'-TGCAGCTATCTCAACTTTTTAAGCACCAGTTGAAAAAAAAATTATGAGATTTTTTTTTTA[A>G]AAGGTCGTCTACAGCTGCAAGCAGATCGCCATCAAGAACATATCCGAGCTAGAGATTCAT-3'

ClinVar aggregate classification (germline): Conflicting classifications of pathogenicity. Review status: criteria provided, conflicting classifications (1 of 4 stars). 2 submissions from 2 submitters: Uncertain significance (1); Likely benign (1). Last evaluated 2022-04-01.

Conditions:
Hereditary cancer-predisposing syndrome. Also called: Neoplastic Syndromes, Hereditary; Hereditary Cancer Syndrome; Tumor predisposition; Hereditary neoplastic syndrome. Identifiers: Orphanet 140162, MedGen C0027672, MeSH D009386, MONDO:0015356.

Submissions (2):

Ambry Genetics
Classification: Likely benign for Hereditary cancer-predisposing syndrome. Last evaluated: 2022-04-01. Review status: criteria provided, single submitter. Criteria: Ambry Variant Classification Scheme 2023. Collection method: clinical testing. Allele origin: germline.

Labcorp Genetics (formerly Invitae), Labcorp
Classification: Uncertain significance for Hereditary cancer-predisposing syndrome. Last evaluated: 2020-01-13. Review status: criteria provided, single submitter. Criteria: Invitae Variant Classification Sherloc (09022015). Collection method: clinical testing. Allele origin: germline.
Comment: This sequence change falls in intron 7 of the RAD50 gene. It does not directly change the encoded amino acid sequence of the RAD50 protein. This variant is not present in population databases (ExAC no frequency). This variant has not been reported in the literature in individuals with RAD50-related disease. Algorithms developed to predict the effect of sequence changes on RNA splicing suggest that this variant may disrupt the consensus splice site, but this prediction has not been confirmed by published transcriptional studies. In summary, the available evidence is currently insufficient to determine the role of this variant in disease. Therefore, it has been classified as a Variant of Uncertain Significance.